The following is an entry in ClinVar:

ClinVar aggregate classification (germline): Uncertain significance. Review status: criteria provided, multiple submitters, no conflicts (2 of 4 stars). 5 submissions from 5 submitters: Uncertain significance (5). Last evaluated 2026-04-21.

Conditions:
BARD1-related disorder. Also called: BARD1-related condition.
Hereditary cancer-predisposing syndrome. Also called: Neoplastic Syndromes, Hereditary; Tumor predisposition; Hereditary neoplastic syndrome; Hereditary Cancer Syndrome. Identifiers: Orphanet 140162, MedGen C0027672, MeSH D009386, MONDO:0015356.
Familial cancer of breast. Also called: Hereditary breast cancer; BREAST CANCER, FAMILIAL; hereditary breast carcinoma. Identifiers: Orphanet 227535, MedGen C0346153, MONDO:0016419, OMIM 114480. Disease mechanism: loss of function.

Allele frequency attached by ClinVar (database versions not stated): gnomAD exomes below 0.00001 and 0.00001; TOPMed below 0.00001.
gnomAD v4.1: 3 of 1,613,878 alleles (0.00019%); highest among the groups gnomAD compares: Admixed American, 0.0017%; no homozygotes.

Submissions (5):

PreventionGenetics, part of Exact Sciences
Classification: Uncertain significance for BARD1-related condition. Last evaluated: 2026-04-21. Review status: criteria provided, single submitter. Criteria: ACMG Guidelines, 2015. Collection method: clinical testing. Allele origin: germline.
Comment: The BARD1 c.1397A>G variant is predicted to result in the amino acid substitution p.His466Arg. This variant was reported in an individual with ovarian cancer (Ramus et al. 2015. PubMed ID: 26315354). This variant is reported in 0.0058% of alleles in individuals of Latino descent in gnomAD and is classified as uncertain in ClinVar (Variation ID: 182047). At this time, the clinical significance of this variant is uncertain due to the absence of conclusive functional and genetic evidence.

Labcorp Genetics (formerly Invitae), Labcorp
Classification: Uncertain significance for Familial cancer of breast. Last evaluated: 2025-01-13. Review status: criteria provided, single submitter. Criteria: Invitae Variant Classification Sherloc (09022015). Collection method: clinical testing. Allele origin: germline.
Comment: This sequence change replaces histidine, which is basic and polar, with arginine, which is basic and polar, at codon 466 of the BARD1 protein (p.His466Arg). This variant is present in population databases (rs730881418, gnomAD 0.006%). This missense change has been observed in individual(s) with ovarian cancer (PMID: 26315354). ClinVar contains an entry for this variant (Variation ID: 182047). An algorithm developed to predict the effect of missense changes on protein structure and function (PolyPhen-2) suggests that this variant is likely to be disruptive. In summary, the available evidence is currently insufficient to determine the role of this variant in disease. Therefore, it has been classified as a Variant of Uncertain Significance.

Ambry Genetics
Classification: Uncertain significance for Hereditary cancer-predisposing syndrome. Last evaluated: 2024-09-20. Review status: criteria provided, single submitter. Criteria: Ambry Variant Classification Scheme 2023. Collection method: clinical testing. Allele origin: germline.
Comment: The p.H466R variant (also known as c.1397A>G), located in coding exon 6 of the BARD1 gene, results from an A to G substitution at nucleotide position 1397. The histidine at codon 466 is replaced by arginine, an amino acid with highly similar properties. In one study, this alteration was observed in 1/3236 cases with invasive epithelial ovarian cancer and 0/3431 controls (Ramus SJ et al. J. Natl. Cancer Inst., 2015 Nov;107:). This variant was also reported in an individual with ER- breast cancer (Dumont M et al. Cancers (Basel), 2022 Jul;14:). This amino acid position is highly conserved in available vertebrate species. In addition, this alteration is predicted to be deleterious by in silico analysis. Based on the available evidence, the clinical significance of this variant remains unclear.

Color Diagnostics, LLC DBA Color Health
Classification: Uncertain significance for Hereditary cancer-predisposing syndrome. Last evaluated: 2022-11-22. Review status: criteria provided, single submitter. Criteria: ACMG Guidelines, 2015. Collection method: clinical testing. Allele origin: germline.
Comment: This missense variant replaces histidine with arginine at codon 466 of the BARD1 protein. Computational prediction suggests that this variant may have deleterious impact on protein structure and function (internally defined REVEL score threshold >= 0.7, PMID: 27666373). To our knowledge, functional studies have not been reported for this variant. This variant has been reported in an individual affected with ovarian cancer (PMID: 26315354). This variant has been identified in 2/250968 chromosomes in the general population by the Genome Aggregation Database (gnomAD). The available evidence is insufficient to determine the role of this variant in disease conclusively. Therefore, this variant is classified as a Variant of Uncertain Significance.

GeneDx
Classification: Uncertain significance. Last evaluated: 2021-02-09. Review status: criteria provided, single submitter. Criteria: GeneDx Variant Classification Process June 2021. Collection method: clinical testing. Allele origin: germline. Affected: yes.
Comment: Not observed at a significant frequency in large population cohorts (Lek 2016); In silico analysis supports that this missense variant has a deleterious effect on protein structure/function; In-silico analysis is inconclusive as to whether the variant alters gene splicing. In the absence of RNA/functional studies, the actual effect of this sequence change is unknown.; Observed in an individual with serous ovarian cancer (Ramus 2015); This variant is associated with the following publications: (PMID: 26315354)

Literature cited by the submitters: PubMed 26315354 (cited by 3 submitters); PubMed 35884425 (cited by Ambry Genetics).

NM_000465.4(BARD1):c.1397A>G (p.His466Arg)

Gene: BARD1 (BRCA1 associated RING domain 1; minus strand). Cytogenetic location: 2q35.
Variant type: single nucleotide variant.
Coding change: c.1397A>G on transcript NM_000465.4 (MANE Select); coding-DNA position 1397, A replaced by G.
Protein change: p.His466Arg; replaces histidine 466 with arginine.
Molecular consequence: missense variant. On other transcripts: non-coding transcript variant (3), intron variant (3).
Genome position (GRCh38, 1-based): chr2:214,767,653, T>C on the plus strand (A>G on the coding strand, the complement: BARD1 is on the minus strand). VCF-style: chr2-214767653-T-C. GRCh37 (hg19) VCF-style: chr2-215632377-T-C.
Other names: p.H466R:CAT>CGT; c.1340A>G, p.His447Arg (NM_001282543.2); c.159-15098A>G (NM_001282548.2); c.216-15098A>G (NM_001282545.2); c.364+24644A>G (NM_001282549.2); short protein forms H466R, H447R.
Identifiers: ClinVar variation 182047 (VCV000182047.24), dbSNP rs730881418, ClinGen allele CA298466.